The following is an entry in ClinVar:

NM_001042492.3(NF1):c.1103G>A (p.Ser368Asn)

Gene: NF1 (neurofibromin 1; plus strand). Cytogenetic location: 17q11.2.
Variant type: single nucleotide variant.
Coding change: c.1103G>A on transcript NM_001042492.3 (MANE Select); coding-DNA position 1103, G replaced by A.
Protein change: p.Ser368Asn; replaces serine 368 with asparagine.
Molecular consequence: missense variant.
Genome position (GRCh38, 1-based): chr17:31,201,077, G>A. VCF-style: chr17-31201077-G-A. GRCh37 (hg19) VCF-style: chr17-29528095-G-A.
Other names: c.1103G>A, p.Ser368Asn (NM_000267.4, NM_001128147.3); short protein forms S368N.
Identifiers: ClinVar variation 822179 (VCV000822179.12), dbSNP rs1597681975, ClinGen allele CA398996862.

ClinVar aggregate classification (germline): Conflicting classifications of pathogenicity. Review status: criteria provided, conflicting classifications (1 of 4 stars). 3 submissions from 3 submitters: Uncertain significance (2); Likely benign (1). Last evaluated 2026-04-16.

Conditions:
Hereditary cancer-predisposing syndrome. Also called: Tumor predisposition; Neoplastic Syndromes, Hereditary; Hereditary neoplastic syndrome; Hereditary Cancer Syndrome. Identifiers: Orphanet 140162, MedGen C0027672, MeSH D009386, MONDO:0015356.
Cardiovascular phenotype. Identifiers: MedGen CN230736.
Neurofibromatosis, type 1 (NF1). Also called: Peripheral type neurofibromatosis; Neurofibromatosis, type I; NEUROFIBROMATOSIS, TYPE I, SOMATIC; VON RECKLINGHAUSEN DISEASE. Identifiers: Orphanet 636, MedGen C0027831, MONDO:0018975, OMIM 162200. Disease mechanism: loss of function.

Submissions (3):

Ambry Genetics
Classification: Likely benign for Cardiovascular phenotype; Hereditary cancer-predisposing syndrome. Last evaluated: 2026-04-16. Review status: criteria provided, single submitter. Criteria: Ambry Variant Classification Scheme 2023. Collection method: clinical testing. Allele origin: germline.

Labcorp Genetics (formerly Invitae), Labcorp
Classification: Uncertain significance for Neurofibromatosis, type 1. Last evaluated: 2024-04-30. Review status: criteria provided, single submitter. Criteria: Invitae Variant Classification Sherloc (09022015). Collection method: clinical testing. Allele origin: germline.
Comment: This sequence change replaces serine, which is neutral and polar, with asparagine, which is neutral and polar, at codon 368 of the NF1 protein (p.Ser368Asn). This variant is not present in population databases (gnomAD no frequency). This variant has not been reported in the literature in individuals affected with NF1-related conditions. ClinVar contains an entry for this variant (Variation ID: 822179). Advanced modeling of protein sequence and biophysical properties (such as structural, functional, and spatial information, amino acid conservation, physicochemical variation, residue mobility, and thermodynamic stability) performed at Invitae indicates that this missense variant is not expected to disrupt NF1 protein function with a negative predictive value of 95%. In summary, the available evidence is currently insufficient to determine the role of this variant in disease. Therefore, it has been classified as a Variant of Uncertain Significance.

Genome-Nilou Lab
Classification: Uncertain significance for Neurofibromatosis, type 1. Last evaluated: 2022-03-15. Review status: criteria provided, single submitter. Criteria: ACMG Guidelines, 2015. Collection method: clinical testing. Allele origin: germline. Affected: no.